The following is an entry in ClinVar:

NM_014208.3(DSPP):c.3633_3758del (p.Ser1220_Ser1261del)

Genes: DMP1-AS1 (DMP1 and DSPP antisense RNA 1; minus strand), DSPP (dentin sialophosphoprotein; plus strand). Cytogenetic location: 4q22.1.
Variant type: Deletion.
Coding change: c.3633_3758del on transcript NM_014208.3 (MANE Select); coding-DNA positions 3633 to 3758, 126 bases deleted.
Protein change: p.Ser1220_Ser1261del.
Molecular consequence: inframe deletion.
Genome position (GRCh38, 1-based): chr4:87,616,295-87,616,420, 126 bases deleted. GRCh37 (hg19): chr4:88,537,447-88,537,572.
Other names: c.3633_3758del126 (NM_014208.3).
Identifiers: ClinVar variation 4887175 (VCV004887175.1).

ClinVar aggregate classification (germline): Benign (1 of 4 stars; one submission).

Submission:

Women's Health and Genetics/Laboratory Corporation of America, LabCorp
Classification: Benign. Last evaluated: 2026-06-17. Review status: criteria provided, single submitter. Criteria: LabCorp Variant Classification Summary - May 2015. Collection method: clinical testing. Allele origin: germline.
Comment: Variant summary: DSPP c.3633_3758del126 (p.Ser1220_Ser1261del) results in an in-frame deletion that is predicted to remove 42 amino acids from the encoded protein. The variant allele was found at a frequency of 0.0066 in 1310336 control chromosomes in the gnomAD database, including more than two hundred homozygotes. The observed variant frequency exceeds the estimated maximal expected allele frequency for disease-causing variants in DSPP. To our knowledge, no occurrence of c.3633_3758del126 in individuals affected with DSPP-related conditions and no experimental evidence demonstrating its impact on protein function have been reported. No submitters have cited clinical-significance assessments for this variant to ClinVar. Based on the evidence outlined above, the variant was classified as benign.